The following is an entry in ClinVar:

ClinVar aggregate classification (germline): Uncertain significance (1 of 4 stars; one submission).

Conditions:
Immunodeficiency-centromeric instability-facial anomalies syndrome 2 (ICF2). Identifiers: Orphanet 2268, MedGen C3279748, MONDO:0013553, OMIM 614069.

Allele frequency attached by ClinVar (database versions not stated): ExAC 0.00001; gnomAD 0.00001 and 0.00002; gnomAD exomes 0.00001; TOPMed 0.00002.
gnomAD v4.1: 8 of 1,614,086 alleles (0.0005%); highest among the groups gnomAD compares: Admixed American, 0.0067%; no homozygotes.

Submission:

Labcorp Genetics (formerly Invitae), Labcorp
Classification: Uncertain significance for Immunodeficiency-centromeric instability-facial anomalies syndrome 2. Last evaluated: 2024-10-24. Review status: criteria provided, single submitter. Criteria: Invitae Variant Classification Sherloc (09022015). Collection method: clinical testing. Allele origin: germline.
Comment: This sequence change replaces serine, which is neutral and polar, with tyrosine, which is neutral and polar, at codon 134 of the ZBTB24 protein (p.Ser134Tyr). This variant is present in population databases (rs756413090, gnomAD 0.006%). This variant has not been reported in the literature in individuals affected with ZBTB24-related conditions. ClinVar contains an entry for this variant (Variation ID: 844350). An algorithm developed to predict the effect of missense changes on protein structure and function (PolyPhen-2) suggests that this variant is likely to be disruptive. In summary, the available evidence is currently insufficient to determine the role of this variant in disease. Therefore, it has been classified as a Variant of Uncertain Significance.

NM_014797.3(ZBTB24):c.401C>A (p.Ser134Tyr)

Gene: ZBTB24 (zinc finger and BTB domain containing 24; minus strand). Cytogenetic location: 6q21.
Variant type: single nucleotide variant.
Coding change: c.401C>A on transcript NM_014797.3 (MANE Select); coding-DNA position 401, C replaced by A.
Protein change: p.Ser134Tyr; replaces serine 134 with tyrosine.
Molecular consequence: missense variant.
Genome position (GRCh38, 1-based): chr6:109,481,626, G>T on the plus strand (C>A on the coding strand, the complement: ZBTB24 is on the minus strand). VCF-style: chr6-109481626-G-T. GRCh37 (hg19) VCF-style: chr6-109802829-G-T.
Other names: c.401C>A, p.Ser134Tyr (NM_001164313.2); short protein forms S134Y.
Identifiers: ClinVar variation 844350 (VCV000844350.7), dbSNP rs756413090, ClinGen allele CA3954350.